The following is an entry in ClinVar:

NM_003476.5(CSRP3):c.113-92C>T

Gene: CSRP3 (cysteine and glycine rich protein 3; minus strand). Cytogenetic location: 11p15.1.
Variant type: single nucleotide variant.
Coding change: c.113-92C>T on transcript NM_003476.5 (MANE Select); 92 bases into the intron before coding-DNA position 113, C replaced by T.
Molecular consequence: intron variant.
Genome position (GRCh38, 1-based): chr11:19,188,396, G>A on the plus strand (C>T on the coding strand, the complement: CSRP3 is on the minus strand). VCF-style: chr11-19188396-G-A. GRCh37 (hg19) VCF-style: chr11-19209943-G-A.
Other names: c.113-2048C>T (NM_001369404.1).
Identifiers: ClinVar variation 672480 (VCV000672480.2), dbSNP rs2288250, ClinGen allele CA13479111.

ClinVar aggregate classification (germline): Benign. Review status: criteria provided, multiple submitters, no conflicts (2 of 4 stars). 2 submissions from 2 submitters: Benign (2). Last evaluated 2018-06-14.

Allele frequency attached by ClinVar (database versions not stated): gnomAD 0.14652 and 0.15429; TOPMed 0.15749; gnomAD exomes 0.17467; 1000 Genomes Project 30x 0.18785; 1000 Genomes Project 0.19149.
gnomAD v4.1: 243,202 of 1,409,058 alleles (17%); highest among the groups gnomAD compares: Admixed American, 35%; 23,439 homozygotes.

Submissions (2):

GeneDx
Classification: Benign. Last evaluated: 2018-06-14. Review status: criteria provided, single submitter. Criteria: GeneDx Variant Classification (06012015). Collection method: clinical testing. Allele origin: germline. Affected: yes.
Comment: This variant is considered likely benign or benign based on one or more of the following criteria: it is a conservative change, it occurs at a poorly conserved position in the protein, it is predicted to be benign by multiple in silico algorithms, and/or has population frequency not consistent with disease.

Breakthrough Genomics
Classification: Benign. Review status: criteria provided, single submitter. Criteria: ACMG Guidelines, 2015. Collection method: not provided. Allele origin: germline. Inheritance: Autosomal dominant inheritance. Affected: yes.